The following is an entry in ClinVar:

ClinVar aggregate classification (germline): Uncertain significance. Review status: criteria provided, multiple submitters, no conflicts (2 of 4 stars). 2 submissions from 2 submitters: Uncertain significance (2). Last evaluated 2026-01-26.

Submissions (2):

Labcorp Genetics (formerly Invitae), Labcorp
Classification: Uncertain significance. Last evaluated: 2026-01-26. Review status: criteria provided, single submitter. Criteria: Invitae Variant Classification Sherloc (09022015). Collection method: clinical testing. Allele origin: germline.
Comment: This variant, c.346_354del, results in the deletion of 3 amino acid(s) of the FOXI3 protein (p.Ala116_Ala118del), but otherwise preserves the integrity of the reading frame. The frequency data for this variant in the population databases is considered unreliable, as metrics indicate poor data quality at this position in the gnomAD database. This variant has not been reported in the literature in individuals affected with FOXI3-related conditions. Experimental studies and prediction algorithms are not available or were not evaluated, and the functional significance of this variant is currently unknown. In summary, the available evidence is currently insufficient to determine the role of this variant in disease. Therefore, it has been classified as a Variant of Uncertain Significance.

Breakthrough Genomics
Classification: Uncertain significance. Review status: criteria provided, single submitter. Criteria: ACMG Guidelines, 2015. Collection method: not provided. Allele origin: germline. Inheritance: Unknown mechanism. Affected: yes.

NM_001135649.3(FOXI3):c.337GCGCCCGCC[1] (p.113APA[1])

Gene: FOXI3 (forkhead box I3; minus strand). Cytogenetic location: 2p11.2.
Variant type: Microsatellite.
Coding change: c.337GCGCCCGCC[1] on transcript NM_001135649.3 (MANE Select); one copy of the 9-base unit GCGCCCGCC starting at c.337; the reference has two copies in a row; one copy, 9 bases deleted.
Protein change: p.113APA[1].
Molecular consequence: inframe deletion.
Genome position (GRCh38, 1-based): chr2:88,452,182-88,452,190, GGCGGGCGC deleted on the plus strand (GCGCCCGCC on the coding strand, the reverse complement: FOXI3 is on the minus strand); deleting any 9 consecutive bases within chr2:88,452,182-88,452,201 gives the same sequence; the position shown is the placement nearest the transcript's 3' end. VCF-style (leftmost placement, unchanged base first): chr2-88452181-AGGCGGGCGC-A. GRCh37 (hg19) VCF-style: chr2-88751700-AGGCGGGCGC-A.
Identifiers: ClinVar variation 1372443 (VCV001372443.7), dbSNP rs757327073, ClinGen allele CA51944237.